The following is an entry in ClinVar:

ClinVar aggregate classification (germline): Pathogenic (1 of 4 stars; one submission).

Conditions:
Familial cancer of breast. Also called: Hereditary breast cancer; hereditary breast carcinoma; BREAST CANCER, FAMILIAL. Identifiers: Orphanet 227535, MedGen C0346153, MONDO:0016419, OMIM 114480. Disease mechanism: loss of function.

Submission:

Labcorp Genetics (formerly Invitae), Labcorp
Classification: Pathogenic for Familial cancer of breast. Last evaluated: 2020-11-19. Review status: criteria provided, single submitter. Criteria: Invitae Variant Classification Sherloc (09022015). Collection method: clinical testing. Allele origin: germline.
Comment: For these reasons, this variant has been classified as Pathogenic. Algorithms developed to predict the effect of sequence changes on RNA splicing suggest that this variant may create or strengthen a splice site, but this prediction has not been confirmed by published transcriptional studies. This variant has not been reported in the literature in individuals with CHEK2-related conditions. This variant is not present in population databases (ExAC no frequency). This sequence change creates a premature translational stop signal (p.Arg262Serfs*25) in the CHEK2 gene. It is expected to result in an absent or disrupted protein product. Loss-of-function variants in CHEK2 are known to be pathogenic (PMID: 21876083, 24713400).

Literature cited by the submitters: PubMed 21876083; PubMed 24713400.

NM_007194.4(CHEK2):c.737_782dup (p.Arg262fs)

Gene: CHEK2 (checkpoint kinase 2; minus strand). Cytogenetic location: 22q12.1.
Variant type: Duplication.
Coding change: c.737_782dup on transcript NM_007194.4 (MANE Select); coding-DNA positions 737 to 782, 46 bases duplicated.
Protein change: p.Arg262fs; shifts the reading frame from arginine 262.
Molecular consequence: frameshift variant.
Genome position (GRCh38, 1-based): chr22:28,711,919-28,711,964, 46 bases duplicated. GRCh37 (hg19): chr22:29,107,907-29,107,952.
Other names: c.866_911dup, p.Arg305Serfs (NM_001005735.3); c.74_119dup, p.Arg41Serfs (NM_001257387.3); c.536_581dup, p.Arg195Serfs (NM_001349956.3); c.737_782dup, p.Arg262Serfs (NM_145862.3); short protein forms R41fs, R262fs, R195fs, R305fs.
Identifiers: ClinVar variation 1454992 (VCV001454992.7), dbSNP rs2145949099, ClinGen allele CA2573157974.